The following is an entry in ClinVar:

NM_004565.3(PEX14):c.1033G>A (p.Val345Met)

Gene: PEX14 (peroxisomal biogenesis factor 14; plus strand). Cytogenetic location: 1p36.22.
Variant type: single nucleotide variant.
Coding change: c.1033G>A on transcript NM_004565.3 (MANE Select); coding-DNA position 1033, G replaced by A.
Protein change: p.Val345Met; replaces valine 345 with methionine.
Molecular consequence: missense variant.
Genome position (GRCh38, 1-based): chr1:10,629,886, G>A. VCF-style: chr1-10629886-G-A. GRCh37 (hg19) VCF-style: chr1-10689943-G-A.
Other names: c.1033G>A (NM_004565.2); short protein forms V345M.
Identifiers: ClinVar variation 1978238 (VCV001978238.3), dbSNP rs1402699992, ClinGen allele CA338339553.

ClinVar aggregate classification (germline): Uncertain significance. Review status: criteria provided, multiple submitters, no conflicts (2 of 4 stars). 2 submissions from 2 submitters: Uncertain significance (2). Last evaluated 2023-08-08.

Conditions:
Peroxisome biogenesis disorder, complementation group K (CGK). Identifiers: MedGen C1866257, MONDO:0800365.
Inborn genetic diseases. Identifiers: MedGen C0950123, MeSH D030342.

gnomAD v4.1: 5 of 1,612,980 alleles (0.00031%); highest among the groups gnomAD compares: Non-Finnish European, 0.00042%; no homozygotes.

Submissions (2):

Ambry Genetics
Classification: Uncertain significance for Inborn genetic diseases. Last evaluated: 2023-08-08. Review status: criteria provided, single submitter. Criteria: Ambry Variant Classification Scheme 2023. Collection method: clinical testing. Allele origin: germline.

Labcorp Genetics (formerly Invitae), Labcorp
Classification: Uncertain significance for Peroxisome biogenesis disorder, complementation group K. Last evaluated: 2022-03-22. Review status: criteria provided, single submitter. Criteria: Invitae Variant Classification Sherloc (09022015). Collection method: clinical testing. Allele origin: germline.
Comment: This sequence change replaces valine, which is neutral and non-polar, with methionine, which is neutral and non-polar, at codon 345 of the PEX14 protein (p.Val345Met). This variant is present in population databases (no rsID available, gnomAD 0.0009%). This variant has not been reported in the literature in individuals affected with PEX14-related conditions. Algorithms developed to predict the effect of missense changes on protein structure and function are either unavailable or do not agree on the potential impact of this missense change (SIFT: "Tolerated"; PolyPhen-2: "Possibly Damaging"; Align-GVGD: "Class C0"). In summary, the available evidence is currently insufficient to determine the role of this variant in disease. Therefore, it has been classified as a Variant of Uncertain Significance.